The following is an entry in ClinVar:

NM_001377.3(DYNC2H1):c.4877G>A (p.Trp1626Ter)

Gene: DYNC2H1 (dynein cytoplasmic 2 heavy chain 1; plus strand). Cytogenetic location: 11q22.3.
Variant type: single nucleotide variant.
Coding change: c.4877G>A on transcript NM_001377.3 (MANE Select); coding-DNA position 4877, G replaced by A.
Protein change: p.Trp1626Ter; replaces tryptophan 1626 with a stop codon.
Molecular consequence: nonsense.
Genome position (GRCh38, 1-based): chr11:103,168,869, G>A. VCF-style: chr11-103168869-G-A. GRCh37 (hg19) VCF-style: chr11-103039598-G-A.
Other names: c.4877G>A, p.Trp1626Ter (NM_001080463.2); short protein forms W1626*.
Identifiers: ClinVar variation 3683846 (VCV003683846.4).

ClinVar aggregate classification (germline): Pathogenic. Review status: criteria provided, multiple submitters, no conflicts (2 of 4 stars). 3 submissions from 3 submitters: Pathogenic (3). Last evaluated 2026-01-06.

Conditions:
Asphyxiating thoracic dystrophy 3. Also called: SHORT-RIB THORACIC DYSPLASIA 3/6 WITH POLYDACTYLY, DIGENIC; Saldino-Noonan Syndrome; SHORT-RIB THORACIC DYSPLASIA 3 WITH OR WITHOUT POLYDACTYLY; POLYDACTYLY WITH NEONATAL CHONDRODYSTROPHY, TYPE I; Short rib polydactyly syndrome 2B. Identifiers: Orphanet 474, Orphanet 93269, Orphanet 93270, Orphanet 93271, MedGen C0036069, MONDO:0013127, OMIM 613091.
Jeune thoracic dystrophy. Also called: Jeune syndrome; Infantile thoracic dystrophy; Thoracic pelvic phalangeal dystrophy; Jeune's syndrome; Chondroectodermal dysplasia-like syndrome; Short-rib thoracic dysplasia. Identifiers: Orphanet 474, MedGen C0265275, MONDO:0018770.

gnomAD v4.1: 1 of 1,612,884 alleles (0.000062%); no homozygotes.

Submissions (3):

Myriad Genetics, Inc.
Classification: Pathogenic for Asphyxiating thoracic dystrophy 3. Last evaluated: 2026-01-06. Review status: criteria provided, single submitter. Criteria: Myriad Autosomal Dominant, Autosomal Recessive and X-Linked Classification Criteria (2023). Collection method: clinical testing. Allele origin: unknown.
Comment: NM_001377.2(DYNC2H1):c.4877G>A(W1626*) is expected to be pathogenic in the context of DYNC2H1-related disorders. This variant is predicted to lead to an abnormal or absent protein product due to the creation of a premature termination codon in DYNC2H1, a gene where loss-of-function variants are known to be pathogenic. Please note: this variant was assessed in the context of healthy population screening.

3billion
Classification: Pathogenic for Asphyxiating thoracic dystrophy 3. Last evaluated: 2025-06-27. Review status: criteria provided, single submitter. Criteria: ACMG Guidelines, 2015. Collection method: clinical testing. Allele origin: germline. Affected: yes.
Comment: The variant is observed at an extremely low frequency in the gnomAD v4.1.0 dataset (total allele frequency: <0.001%). Predicted Consequence/Location: Stop-gained (nonsense): predicted to result in a loss or disruption of normal protein function through nonsense-mediated decay (NMD) or protein truncation. Multiple pathogenic variants are reported downstream of the variant. The variant has been reported to be associated with DYNC2H1-related disorder (ClinVar ID: VCV003683846). Therefore, this variant is classified as Pathogenic according to the recommendation of ACMG/AMP guideline.

Labcorp Genetics (formerly Invitae), Labcorp
Classification: Pathogenic for Jeune thoracic dystrophy. Last evaluated: 2024-11-01. Review status: criteria provided, single submitter. Criteria: Invitae Variant Classification Sherloc (09022015). Collection method: clinical testing. Allele origin: germline.
Comment: This sequence change creates a premature translational stop signal (p.Trp1626*) in the DYNC2H1 gene. It is expected to result in an absent or disrupted protein product. Loss-of-function variants in DYNC2H1 are known to be pathogenic (PMID: 23339108, 32753734, 33755199). This variant is not present in population databases (gnomAD no frequency). This variant has not been reported in the literature in individuals affected with DYNC2H1-related conditions. Algorithms developed to predict the effect of sequence changes on RNA splicing suggest that this variant may disrupt the consensus splice site. For these reasons, this variant has been classified as Pathogenic.

Literature cited by the submitters: PubMed 23339108 (cited by Labcorp Genetics (formerly Invitae), Labcorp); PubMed 32753734 (cited by Labcorp Genetics (formerly Invitae), Labcorp); PubMed 33755199 (cited by Labcorp Genetics (formerly Invitae), Labcorp).